The following is an entry in ClinVar:

NM_181882.3(PRX):c.4004G>A (p.Arg1335Gln)

Gene: PRX (periaxin; minus strand). Cytogenetic location: 19q13.2.
Variant type: single nucleotide variant.
Coding change: c.4004G>A on transcript NM_181882.3 (MANE Select); coding-DNA position 4004, G replaced by A.
Protein change: p.Arg1335Gln; replaces arginine 1335 with glutamine.
Molecular consequence: missense variant. On other transcripts: 3 prime UTR variant (1).
Genome position (GRCh38, 1-based): chr19:40,394,348, C>T on the plus strand (G>A on the coding strand, the complement: PRX is on the minus strand). VCF-style: chr19-40394348-C-T. GRCh37 (hg19) VCF-style: chr19-40900255-C-T.
Other names: c.*4209G>A (NM_020956.2); short protein forms R1335Q.
Identifiers: ClinVar variation 665334 (VCV000665334.9), dbSNP rs1384489319, ClinGen allele CA405891318.
Genomic context (GRCh38, chr19:40,394,348, plus strand): 5'-TCCTCCTCGGGGCTGGGGGACCCTTCCCCAGTGACCATCTCACTTTGGCTGAAGCCCACT[C>T]GGGGCAGCCTGAGTTTGGGGCTCTTGGCCTTCTCACCCTCCTCGGCCCCCTCCTTGGCCC-3'
Protein context (NP_870998.2, residues 1325-1345): KAKSPKLRLP[Arg1335Gln]VGFSQSEMVT

ClinVar aggregate classification (germline): Uncertain significance. Review status: criteria provided, multiple submitters, no conflicts (2 of 4 stars). 2 submissions from 2 submitters: Uncertain significance (2). Last evaluated 2024-06-11.

Conditions:
Charcot-Marie-Tooth disease type 4. Also called: Charcot-Marie-Tooth disease, type IV; Charcot-Marie-Tooth, Type 4. Identifiers: Orphanet 64749, MedGen C4082197, MONDO:0018995.

Allele frequency attached by ClinVar (database versions not stated): TOPMed 0.00002.
gnomAD v4.1: 18 of 1,605,960 alleles (0.0011%); highest among the groups gnomAD compares: East Asian, 0.0023%; no homozygotes.

Submissions (2):

Blueprint Genetics
Classification: Uncertain significance. Last evaluated: 2024-06-11. Review status: criteria provided, single submitter. Criteria: ACMG Guidelines, 2015. Collection method: clinical testing. Allele origin: germline.

Labcorp Genetics (formerly Invitae), Labcorp
Classification: Uncertain significance for Charcot-Marie-Tooth disease type 4. Last evaluated: 2022-09-07. Review status: criteria provided, single submitter. Criteria: Invitae Variant Classification Sherloc (09022015). Collection method: clinical testing. Allele origin: germline.
Comment: In summary, the available evidence is currently insufficient to determine the role of this variant in disease. Therefore, it has been classified as a Variant of Uncertain Significance. Algorithms developed to predict the effect of missense changes on protein structure and function are either unavailable or do not agree on the potential impact of this missense change (SIFT: "Deleterious"; PolyPhen-2: "Benign"; Align-GVGD: "Class C0"). ClinVar contains an entry for this variant (Variation ID: 665334). This missense change has been observed in individual(s) with hereditary motor and sensory neuropathy (PMID: 24627108; Invitae). This variant is not present in population databases (gnomAD no frequency). This sequence change replaces arginine, which is basic and polar, with glutamine, which is neutral and polar, at codon 1335 of the PRX protein (p.Arg1335Gln).

Literature cited by the submitters: PubMed 24627108 (cited by Labcorp Genetics (formerly Invitae), Labcorp).